The following is an entry in ClinVar:

ClinVar aggregate classification (germline): Uncertain significance. Review status: criteria provided, multiple submitters, no conflicts (2 of 4 stars). 2 submissions from 2 submitters: Uncertain significance (2). Last evaluated 2023-03-15.

Allele frequency attached by ClinVar (database versions not stated): gnomAD exomes 0.00001; ExAC 0.00002.
gnomAD v4.1: 3 of 1,612,878 alleles (0.00019%); highest among the groups gnomAD compares: Admixed American, 0.0033%; no homozygotes.

Submissions (2):

Blueprint Genetics
Classification: Uncertain significance. Last evaluated: 2023-03-15. Review status: criteria provided, single submitter. Criteria: ACMG Guidelines, 2015. Collection method: clinical testing. Allele origin: germline.

Labcorp Genetics (formerly Invitae), Labcorp
Classification: Uncertain significance. Last evaluated: 2021-09-01. Review status: criteria provided, single submitter. Criteria: Invitae Variant Classification Sherloc (09022015). Collection method: clinical testing. Allele origin: germline.
Comment: This sequence change replaces threonine with arginine at codon 275 of the RXYLT1 protein (p.Thr275Arg). The threonine residue is highly conserved and there is a moderate physicochemical difference between threonine and arginine. This variant is present in population databases (rs771003064, ExAC 0.02%). This variant has not been reported in the literature in individuals affected with RXYLT1-related conditions. Algorithms developed to predict the effect of missense changes on protein structure and function (SIFT, PolyPhen-2, Align-GVGD) all suggest that this variant is likely to be disruptive. In summary, the available evidence is currently insufficient to determine the role of this variant in disease. Therefore, it has been classified as a Variant of Uncertain Significance.

NM_014254.3(RXYLT1):c.824C>G (p.Thr275Arg)

Gene: RXYLT1 (ribitol xylosyltransferase 1; plus strand). Cytogenetic location: 12q14.2.
Variant type: single nucleotide variant.
Coding change: c.824C>G on transcript NM_014254.3 (MANE Select); coding-DNA position 824, C replaced by G.
Protein change: p.Thr275Arg; replaces threonine 275 with arginine.
Molecular consequence: missense variant.
Genome position (GRCh38, 1-based): chr12:63,805,314, C>G. VCF-style: chr12-63805314-C-G. GRCh37 (hg19) VCF-style: chr12-64199094-C-G.
Other names: c.44C>G, p.Thr15Arg (NM_001278237.2); short protein forms T15R, T275R.
Identifiers: ClinVar variation 1057505 (VCV001057505.7), dbSNP rs771003064, ClinGen allele CA6666188.